The following is an entry in ClinVar:

ClinVar aggregate classification (germline): Uncertain significance (1 of 4 stars; one submission).

Conditions:
Cardiovascular phenotype. Identifiers: MedGen CN230736.

Submission:

Ambry Genetics
Classification: Uncertain significance for Cardiovascular phenotype. Last evaluated: 2025-10-27. Review status: criteria provided, single submitter. Criteria: Ambry Variant Classification Scheme 2023. Collection method: clinical testing. Allele origin: germline.
Comment: The p.P1127R variant (also known as c.3380C>G), located in coding exon 2 of the ZNF469 gene, results from a C to G substitution at nucleotide position 3380. The proline at codon 1127 is replaced by arginine, an amino acid with dissimilar properties. This amino acid position is conserved. In addition, this alteration is predicted to be tolerated by in silico analysis. Based on the available evidence, the clinical significance of this variant remains unclear.

NM_001127464.1:c.3380C>G

Gene: ZNF469 (zinc finger protein 469; plus strand).
Variant type: single nucleotide variant.
Identifiers: ClinVar variation 4615433 (VCV004615433.1).